The following is an entry in ClinVar:

NM_006767.4(LZTR1):c.2089C>G (p.Arg697Gly)

Gene: LZTR1 (leucine zipper like post translational regulator 1; plus strand). Cytogenetic location: 22q11.21.
Variant type: single nucleotide variant.
Coding change: c.2089C>G on transcript NM_006767.4 (MANE Select); coding-DNA position 2089, C replaced by G.
Protein change: p.Arg697Gly; replaces arginine 697 with glycine.
Molecular consequence: missense variant.
Genome position (GRCh38, 1-based): chr22:20,995,982, C>G. VCF-style: chr22-20995982-C-G. GRCh37 (hg19) VCF-style: chr22-21350271-C-G.
Other names: short protein forms R697G.
Identifiers: ClinVar variation 3769832 (VCV003769832.2).
Genomic context (GRCh38, chr22:20,995,982, plus strand): 5'-GTTCTGCTGACGGCCAGGTGCCTACCGCTCGTTGTCTGCAGCTACTTTGAAGCCATGTTC[C>G]GGTCCTTCATGCCCGAAGATGGGCAGGTGAACATCTCCATCGGGGAGATGGTGCCCAGCA-3'
Protein context (NP_006758.2, residues 687-707): ARSSYFEAMF[Arg697Gly]SFMPEDGQVN

ClinVar aggregate classification (germline): Uncertain significance (1 of 4 stars; one submission).

Submission:

GeneDx
Classification: Uncertain significance. Last evaluated: 2025-12-30. Review status: criteria provided, single submitter. Criteria: GeneDx Variant Classification Process June 2021. Collection method: clinical testing. Allele origin: germline.
Comment: Not observed at significant frequency in large population cohorts (gnomAD); In silico analysis supports that this missense variant has a deleterious effect on protein structure/function; Has not been previously published as pathogenic or benign to our knowledge